The following is an entry in ClinVar:

ClinVar aggregate classification (germline): Likely pathogenic (1 of 4 stars; one submission).

Conditions:
CTCF-related neurodevelopmental disorder. Also called: Intellectual disability-feeding difficulties-developmental delay-microcephaly syndrome; INTELLECTUAL DEVELOPMENTAL DISORDER, AUTOSOMAL DOMINANT 21. Identifiers: Orphanet 363611, MedGen C3809686, MONDO:0014213, OMIM 615502.

Submission:

New York Genome Center
Classification: Likely pathogenic for CTCF-related neurodevelopmental disorder. Last evaluated: 2024-01-23. Review status: criteria provided, single submitter. Criteria: NYGC Assertion Criteria 2020. Collection method: clinical testing. Allele origin: de novo. Affected: yes. Observed: 1 variant allele, 1 heterozygote.
Comment: The c.356del variant in CTCF has not previously been reported in the literature or public variant repositories (ClinVar and LOVD), and is absent from population databases (gnomAD v4.0.0, TOPMed Freeze 10, All of Us), suggesting it is not a common benign variant in the populations represented in those databases. Thec.356del variant in CTCF is located in exon 3, the first coding exon, of this 12-exon gene, is predicted to incorporate a premature termination codon (p.(Pro119LeufsTer4)), and is expected to result in loss-of-function via nonsense mediated decay or loss of N-terminal region of the encoded protein. Other upstream and nearby loss-of-function variants located in exon 3 have been reported in the literature [PMID: 23746550, 30893510, 31239556, 33057194] and ClinVar [ClinVarID: 521865, 1325788, 504066] in individuals with CTCF-related neurodevelopmental disorder. Based on available evidence this de novo c.356del p.(Pro119LeufsTer4) variant identified in CTCF is classified as Likely Pathogenic.

NM_006565.4(CTCF):c.356del (p.Pro119fs)

Gene: CTCF (CCCTC-binding factor; plus strand). Cytogenetic location: 16q22.1.
Variant type: Deletion.
Coding change: c.356del on transcript NM_006565.4 (MANE Select); coding-DNA position 356, one base deleted (C; older notation c.356delC).
Protein change: p.Pro119fs; shifts the reading frame from proline 119.
Molecular consequence: frameshift variant. On other transcripts: intron variant (1).
Genome position (GRCh38, 1-based): chr16:67,611,188, C deleted; the last of 2 consecutive C bases (chr16:67,611,187-67,611,188); deleting either gives the same sequence. VCF-style (leftmost placement, unchanged base first): chr16-67611186-AC-A. GRCh37 (hg19) VCF-style: chr16-67645089-AC-A.
Other names: c.356del, p.Pro119fs (NM_001363916.2, NM_001438968.1, NM_001438969.1); c.-32-5557del (NM_001191022.2); short protein forms P119fs.
Identifiers: ClinVar variation 4888370 (VCV004888370.1).